The following is an entry in ClinVar:

NM_014920.5(CILK1):c.1710G>T (p.Arg570Ser)

Gene: CILK1 (ciliogenesis associated kinase 1; minus strand). Cytogenetic location: 6p12.1.
Variant type: single nucleotide variant.
Coding change: c.1710G>T on transcript NM_014920.5 (MANE Select); coding-DNA position 1710, G replaced by T.
Protein change: p.Arg570Ser; replaces arginine 570 with serine.
Molecular consequence: missense variant. On other transcripts: non-coding transcript variant (1).
Genome position (GRCh38, 1-based): chr6:53,006,349, C>A on the plus strand (G>T on the coding strand, the complement: CILK1 is on the minus strand). VCF-style: chr6-53006349-C-A. GRCh37 (hg19) VCF-style: chr6-52871147-C-A.
Other names: c.1731G>T, p.Arg577Ser (NM_001375397.1); c.1710G>T, p.Arg570Ser (NM_001375398.1, NM_001375399.1, NM_001375400.1 and 3 more transcripts); short protein forms R570S, R577S.
Identifiers: ClinVar variation 4685835 (VCV004685835.1).
Genomic context (GRCh38, chr6:53,006,349, plus strand): 5'-CATGAATAATTTAAAATACAACTCACCAGGGGAAGGGTCTGGAATAGGTGCTAGGTGTAC[C>A]CTCTGCATAGCAGAACCGATTTCTTTTTTCAGAAAGGAAGGGACATAGTTTCCAGTCAGT-3'
Protein context (NP_055735.1, residues 560-580): LKKEIGSAMQ[Arg570Ser]VHLAPIPDPS

ClinVar aggregate classification (germline): Uncertain significance (1 of 4 stars; one submission).

Submission:

ARUP Laboratories, Molecular Genetics and Genomics, ARUP Laboratories
Classification: Uncertain significance. Last evaluated: 2025-05-20. Review status: criteria provided, single submitter. Criteria: ARUP Molecular Germline Variant Investigation Process 2024. Collection method: clinical testing. Allele origin: germline.
Comment: The CILK1 c.1710G>T; p.Arg570Ser variant, to our knowledge, is not reported in the medical literature or gene specific databases. This variant is also absent from the Genome Aggregation Database (v2.1.1), indicating it is not a common polymorphism. Computational analyses are uncertain whether this variant is neutral or deleterious (REVEL: 0.666). Due to limited information, the clinical significance of this variant is uncertain at this time.